The following is an entry in ClinVar:

NM_001376.5(DYNC1H1):c.1117C>A (p.Pro373Thr)

Gene: DYNC1H1 (dynein cytoplasmic 1 heavy chain 1; plus strand). Cytogenetic location: 14q32.31.
Variant type: single nucleotide variant.
Coding change: c.1117C>A on transcript NM_001376.5 (MANE Select); coding-DNA position 1117, C replaced by A.
Protein change: p.Pro373Thr; replaces proline 373 with threonine.
Molecular consequence: missense variant.
Genome position (GRCh38, 1-based): chr14:101,983,174, C>A. VCF-style: chr14-101983174-C-A. GRCh37 (hg19) VCF-style: chr14-102449511-C-A.
Other names: short protein forms P373T.
Identifiers: ClinVar variation 1796510 (VCV001796510.2), dbSNP rs2503685668, ClinGen allele CA391013285.

ClinVar aggregate classification (germline): Uncertain significance (1 of 4 stars; one submission).

Conditions:
Inborn genetic diseases. Identifiers: MedGen C0950123, MeSH D030342.

Allele frequency attached by ClinVar (database versions not stated): gnomAD exomes below 0.00001.
gnomAD v4.1: 1 of 1,614,016 alleles (0.000062%); highest among the groups gnomAD compares: Non-Finnish European, 0.000085%; no homozygotes.

Submission:

Ambry Genetics
Classification: Uncertain significance for Inborn genetic diseases. Last evaluated: 2021-02-17. Review status: criteria provided, single submitter. Criteria: Ambry Variant Classification Scheme 2023. Collection method: clinical testing. Allele origin: germline.
Comment: The p.P373T variant (also known as c.1117C>A), located in coding exon 6 of the DYNC1H1 gene, results from a C to A substitution at nucleotide position 1117. The proline at codon 373 is replaced by threonine, an amino acid with highly similar properties. This amino acid position is highly conserved in available vertebrate species. In addition, the in silico prediction for this alteration is inconclusive. Since supporting evidence is limited at this time, the clinical significance of this alteration remains unclear.